The following is an entry in ClinVar:

ClinVar aggregate classification (germline): Uncertain significance. Review status: criteria provided, multiple submitters, no conflicts (2 of 4 stars). 2 submissions from 2 submitters: Uncertain significance (2). Last evaluated 2025-10-24.

Conditions:
Paget disease of bone 2, early-onset (PDB2). Also called: Paget disease of bone 2. Identifiers: MedGen C4085251, MONDO:0011183, OMIM 602080.
Frontotemporal dementia and/or amyotrophic lateral sclerosis 1 (FTDALS1). Also called: C9orf72 Frontotemporal Dementia and/or Amyotrophic Lateral Sclerosis; Frontotemporal dementia with motor neuron disease 1. Identifiers: Orphanet 275872, MedGen C5779877, MONDO:0007105, OMIM 105550.
SQSTM1-related disorder. Also called: SQSTM1-Related Disorders.

Allele frequency attached by ClinVar (database versions not stated): gnomAD exomes 0.00002 and 0.00006; gnomAD 0.00004 and 0.00005; ExAC 0.00005; TOPMed 0.00009; 1000 Genomes Project 0.00040; 1000 Genomes Project 30x 0.00047.
gnomAD v4.1: 41 of 1,614,154 alleles (0.0025%); highest among the groups gnomAD compares: African/African-American, 0.016%; no homozygotes.

Submissions (2):

Labcorp Genetics (formerly Invitae), Labcorp
Classification: Uncertain significance for Paget disease of bone 2, early-onset; Frontotemporal dementia and/or amyotrophic lateral sclerosis 1. Last evaluated: 2025-10-24. Review status: criteria provided, single submitter. Criteria: Invitae Variant Classification Sherloc (09022015). Collection method: clinical testing. Allele origin: germline.
Comment: This sequence change replaces arginine, which is basic and polar, with glutamine, which is neutral and polar, at codon 393 of the SQSTM1 protein (p.Arg393Gln). This variant is present in population databases (rs200551825, gnomAD 0.02%). This variant has not been reported in the literature in individuals affected with SQSTM1-related conditions. ClinVar contains an entry for this variant (Variation ID: 475395). Invitae Evidence Modeling of protein sequence and biophysical properties (such as structural, functional, and spatial information, amino acid conservation, physicochemical variation, residue mobility, and thermodynamic stability) indicates that this missense variant is not expected to disrupt SQSTM1 protein function with a negative predictive value of 80%. In summary, the available evidence is currently insufficient to determine the role of this variant in disease. Therefore, it has been classified as a Variant of Uncertain Significance.

PreventionGenetics, part of Exact Sciences
Classification: Uncertain significance for SQSTM1-related condition. Last evaluated: 2025-06-10. Review status: criteria provided, single submitter. Criteria: ACMG Guidelines, 2015. Collection method: clinical testing. Allele origin: germline.
Comment: The SQSTM1 c.1178G>A variant is predicted to result in the amino acid substitution p.Arg393Gln. This variant was reported in an individual with amyotrophic lateral sclerosis (Tripolszki et al 2019. PubMed ID: 31475037). This variant is reported in 0.023% of alleles in individuals of South Asian descent in gnomAD. At this time, the clinical significance of this variant is uncertain due to the absence of conclusive functional and genetic evidence.

NM_003900.5(SQSTM1):c.1178G>A (p.Arg393Gln)

Gene: SQSTM1 (sequestosome 1; plus strand). Cytogenetic location: 5q35.3.
Variant type: single nucleotide variant.
Coding change: c.1178G>A on transcript NM_003900.5 (MANE Select); coding-DNA position 1178, G replaced by A.
Protein change: p.Arg393Gln; replaces arginine 393 with glutamine.
Molecular consequence: missense variant.
Genome position (GRCh38, 1-based): chr5:179,836,448, G>A. VCF-style: chr5-179836448-G-A. GRCh37 (hg19) VCF-style: chr5-179263448-G-A.
Other names: c.926G>A, p.Arg309Gln (NM_001142298.2, NM_001142299.2); short protein forms R393Q, R309Q.
Identifiers: ClinVar variation 475395 (VCV000475395.13), dbSNP rs200551825, ClinGen allele CA3600852.
Genomic context (GRCh38, chr5:179,836,448, plus strand): 5'-TCACAGGGCTCAGCACCACTCCTCATGGCTTCCTTACTGTTTCGGCAGAGGCTGACCCGC[G>A]GCTGATTGAGTCCCTCTCCCAGATGCTGTCCATGGGCTTCTCTGATGAAGGCGGCTGGCT-3'
Protein context (NP_003891.1, residues 383-403): YPHLPPEADP[Arg393Gln]LIESLSQMLS